The following is an entry in ClinVar:

NM_004153.4(ORC1):c.1376AGA[1] (p.Lys460del)

Gene: ORC1 (origin recognition complex subunit 1; minus strand). Cytogenetic location: 1p32.3.
Variant type: Microsatellite.
Coding change: c.1376AGA[1] on transcript NM_004153.4 (MANE Select); one copy of the 3-base unit AGA starting at c.1376; the reference has two copies in a row; one copy, 3 bases deleted.
Protein change: p.Lys460del; deletes lysine 460.
Molecular consequence: inframe deletion. On other transcripts: intron variant (1).
Genome position (GRCh38, 1-based): chr1:52,388,444-52,388,446, TCT deleted on the plus strand (AGA on the coding strand, the reverse complement: ORC1 is on the minus strand); deleting any 3 consecutive bases within chr1:52,388,444-52,388,450 gives the same sequence; the position shown is the placement nearest the transcript's 3' end. VCF-style (leftmost placement, unchanged base first): chr1-52388443-CTCT-C. GRCh37 (hg19) VCF-style: chr1-52854115-CTCT-C.
Other names: c.1376AGA[1], p.Lys460del (NM_001190818.2); c.1368+11_1368+13del (NM_001190819.2); short protein forms K460del.
Identifiers: ClinVar variation 1940039 (VCV001940039.5), dbSNP rs759670684, ClinGen allele CA853359.

ClinVar aggregate classification (germline): Uncertain significance (1 of 4 stars; one submission).

Submission:

Labcorp Genetics (formerly Invitae), Labcorp
Classification: Uncertain significance. Last evaluated: 2024-10-21. Review status: criteria provided, single submitter. Criteria: Invitae Variant Classification Sherloc (09022015). Collection method: clinical testing. Allele origin: germline.
Comment: This variant, c.1379_1381del, results in the deletion of 1 amino acid(s) of the ORC1 protein (p.Lys460del), but otherwise preserves the integrity of the reading frame. This variant is present in population databases (rs759670684, gnomAD 0.004%). This variant has not been reported in the literature in individuals affected with ORC1-related conditions. Algorithms developed to predict the effect of sequence changes on RNA splicing suggest that this variant may create or strengthen a splice site. In summary, the available evidence is currently insufficient to determine the role of this variant in disease. Therefore, it has been classified as a Variant of Uncertain Significance.